The following is an entry in ClinVar:

NM_031483.7(ITCH):c.1569+6G>A

Gene: ITCH (itchy E3 ubiquitin protein ligase; plus strand). Cytogenetic location: 20q11.22.
Variant type: single nucleotide variant.
Coding change: c.1569+6G>A on transcript NM_031483.7 (MANE Select); 6 bases into the intron after coding-DNA position 1569, G replaced by A.
Molecular consequence: intron variant.
Genome position (GRCh38, 1-based): chr20:34,471,521, G>A. VCF-style: chr20-34471521-G-A. GRCh37 (hg19) VCF-style: chr20-33059326-G-A.
Other names: c.1692+6G>A (NM_001324197.2, NM_001257137.3); c.1569+6G>A (NM_001324198.2); c.1239+6G>A (NM_001257138.3).
Identifiers: ClinVar variation 1508352 (VCV001508352.4), dbSNP rs192681509, ClinGen allele CA9821740.

ClinVar aggregate classification (germline): Uncertain significance (1 of 4 stars; one submission).

Conditions:
Syndromic multisystem autoimmune disease due to ITCH deficiency. Also called: AUTOIMMUNE DISEASE, MULTISYSTEM, WITH FACIAL DYSMORPHISM. Identifiers: Orphanet 228426, MedGen C3150649, MONDO:0013245, OMIM 613385.

Allele frequency attached by ClinVar (database versions not stated): gnomAD 0.00001; gnomAD exomes 0.00001 and 0.00002; TOPMed 0.00001; ExAC 0.00005; 1000 Genomes Project 30x 0.00016; 1000 Genomes Project 0.00020.
gnomAD v4.1: 20 of 1,556,414 alleles (0.0013%); highest among the groups gnomAD compares: Non-Finnish European, 0.0017%; no homozygotes.

Submission:

Labcorp Genetics (formerly Invitae), Labcorp
Classification: Uncertain significance for Syndromic multisystem autoimmune disease due to ITCH deficiency. Last evaluated: 2022-10-13. Review status: criteria provided, single submitter. Criteria: Invitae Variant Classification Sherloc (09022015). Collection method: clinical testing. Allele origin: germline.
Comment: This sequence change falls in intron 16 of the ITCH gene. It does not directly change the encoded amino acid sequence of the ITCH protein. It affects a nucleotide within the consensus splice site. This variant is present in population databases (rs192681509, gnomAD 0.005%). This variant has not been reported in the literature in individuals affected with ITCH-related conditions. ClinVar contains an entry for this variant (Variation ID: 1508352). Variants that disrupt the consensus splice site are a relatively common cause of aberrant splicing (PMID: 17576681, 9536098). Algorithms developed to predict the effect of sequence changes on RNA splicing suggest that this variant is not likely to affect RNA splicing. In summary, the available evidence is currently insufficient to determine the role of this variant in disease. Therefore, it has been classified as a Variant of Uncertain Significance.

Literature cited by the submitters: PubMed 17576681; PubMed 9536098.